The following is an entry in ClinVar:

ClinVar aggregate classification (germline): Uncertain significance (1 of 4 stars; one submission).

Conditions:
Inborn genetic diseases. Identifiers: MedGen C0950123, MeSH D030342.

Submission:

Ambry Genetics
Classification: Uncertain significance for Inborn genetic diseases. Last evaluated: 2024-11-28. Review status: criteria provided, single submitter. Criteria: Ambry Variant Classification Scheme 2023. Collection method: clinical testing. Allele origin: germline.
Comment: The p.Y735F variant (also known as c.2204A>T), located in coding exon 24 of the RTEL1 gene, results from an A to T substitution at nucleotide position 2204. The tyrosine at codon 735 is replaced by phenylalanine, an amino acid with highly similar properties. This amino acid position is conserved. In addition, this alteration is predicted to be tolerated by in silico analysis. Based on the available evidence, the clinical significance of this variant remains unclear.

NM_001283009.2(RTEL1):c.2204A>T (p.Tyr735Phe)

Genes: RTEL1 (regulator of telomere elongation helicase 1; plus strand), RTEL1-TNFRSF6B (RTEL1-TNFRSF6B readthrough (NMD candidate); plus strand). Cytogenetic location: 20q13.33.
Variant type: single nucleotide variant.
Coding change: c.2204A>T on transcript NM_001283009.2 (MANE Select); coding-DNA position 2204, A replaced by T.
Protein change: p.Tyr735Phe; replaces tyrosine 735 with phenylalanine.
Molecular consequence: missense variant. On other transcripts: non-coding transcript variant (1).
Genome position (GRCh38, 1-based): chr20:63,690,149, A>T. VCF-style: chr20-63690149-A-T. GRCh37 (hg19) VCF-style: chr20-62321502-A-T.
Other names: c.1535A>T, p.Tyr512Phe (NM_001283010.1); c.2204A>T, p.Tyr735Phe (NM_016434.4); c.2276A>T, p.Tyr759Phe (NM_032957.5); short protein forms Y512F, Y735F, Y759F.
Identifiers: ClinVar variation 3435995 (VCV003435995.1).
Genomic context (GRCh38, chr20:63,690,149, plus strand): 5'-TCGCCTTTGCCGACGCAAGAGCCCAACTGCCCTCCTGGGTGCGTCCCCACGTCAGGGTGT[A>T]TGACAACTTTGGCCATGTCATCCGAGACGTGGCCCAGTTCTTCCGTGTTGCCGAGCGAAC-3'
Protein context (NP_001269938.1, residues 725-745): PSWVRPHVRV[Tyr735Phe]DNFGHVIRDV